The following is an entry in ClinVar:

NM_032043.3(BRIP1):c.2379+2T>A

Gene: BRIP1 (BRCA1 interacting DNA helicase 1; minus strand). Cytogenetic location: 17q23.2.
Variant type: single nucleotide variant.
Coding change: c.2379+2T>A on transcript NM_032043.3 (MANE Select); the canonical splice donor site of the intron after coding-DNA position 2379, T replaced by A.
Molecular consequence: splice donor variant.
Genome position (GRCh38, 1-based): chr17:61,743,011, A>T on the plus strand (T>A on the coding strand, the complement: BRIP1 is on the minus strand). VCF-style: chr17-61743011-A-T. GRCh37 (hg19) VCF-style: chr17-59820372-A-T.
Identifiers: ClinVar variation 2583437 (VCV002583437.2), dbSNP rs2144674833, ClinGen allele CA400482516.
Genomic context (GRCh38, chr17:61,743,011, plus strand): 5'-ATTAACTTTATACAAAACCAATGACTCCTGTAATAATAAAACTTAAGGTTTTGATGGCCT[A>T]CCTGTAGATCTTTCACATTTGGAAAAGGAATTCCTATTGTTATGACAGCACGGGCATTGT-3'

ClinVar aggregate classification (germline): Likely pathogenic (1 of 4 stars; one submission).

Conditions:
Familial cancer of breast. Also called: Hereditary breast cancer; BREAST CANCER, FAMILIAL; hereditary breast carcinoma. Identifiers: Orphanet 227535, MedGen C0346153, MONDO:0016419, OMIM 114480. Disease mechanism: loss of function.

Submission:

Myriad Genetics, Inc.
Classification: Likely pathogenic for Familial cancer of breast. Last evaluated: 2023-06-06. Review status: criteria provided, single submitter. Criteria: Myriad Autosomal Dominant, Autosomal Recessive and X-Linked Classification Criteria (2023). Collection method: clinical testing. Allele origin: unknown.
Comment: This variant is considered likely pathogenic. This variant occurs within a consensus splice junction and is predicted to result in abnormal mRNA splicing of either an out-of-frame exon or an in-frame exon necessary for protein stability and/or normal function.